The following is an entry in ClinVar:

NM_001130438.3(SPTAN1):c.6314C>T (p.Ala2105Val)

Gene: SPTAN1 (spectrin alpha, non-erythrocytic 1; plus strand). Cytogenetic location: 9q34.11.
Variant type: single nucleotide variant.
Coding change: c.6314C>T on transcript NM_001130438.3 (MANE Select); coding-DNA position 6314, C replaced by T.
Protein change: p.Ala2105Val; replaces alanine 2105 with valine.
Molecular consequence: missense variant.
Genome position (GRCh38, 1-based): chr9:128,626,425, C>T. VCF-style: chr9-128626425-C-T. GRCh37 (hg19) VCF-style: chr9-131388704-C-T.
Other names: p.Ala2105Val; c.6239C>T, p.Ala2080Val (NM_001195532.2); c.6314C>T, p.Ala2105Val (NM_001363759.2, NM_001375310.1, NM_001375311.2 and 1 more transcripts); c.6254C>T, p.Ala2085Val (NM_001363765.2, NM_001375314.2); c.6350C>T, p.Ala2117Val (NM_001375312.2, NM_001375318.1); c.6299C>T, p.Ala2100Val (NM_003127.4); short protein forms A2080V, A2085V, A2100V, A2105V, A2117V.
Identifiers: ClinVar variation 3379903 (VCV003379903.1).

ClinVar aggregate classification (germline): Uncertain significance (1 of 4 stars; one submission).

gnomAD v4.1: 6 of 1,614,224 alleles (0.00037%); highest among the groups gnomAD compares: Non-Finnish European, 0.00051%; no homozygotes.

Submission:

Mayo Clinic Laboratories, Mayo Clinic
Classification: Uncertain significance. Last evaluated: 2023-11-13. Review status: criteria provided, single submitter. Criteria: ACMG Guidelines, 2015. Collection method: clinical testing. Allele origin: germline. Observed: 1 variant allele.
Comment: BS2, PP2